The following is an entry in ClinVar:

ClinVar aggregate classification (germline): Uncertain significance (1 of 4 stars; one submission).

Conditions:
STAT3 gain of function. Identifiers: MedGen C4288261.
Hyper-IgE recurrent infection syndrome 1, autosomal dominant. Also called: JOB SYNDROME; HYPER-IgE SYNDROME 1, AUTOSOMAL DOMINANT, WITH RECURRENT INFECTIONS; STAT3 Hyper IgE Syndrome; Hyper-IgE recurrent infection syndrome 1; Job's Syndrome. Identifiers: Orphanet 2314, MedGen C2936739, MONDO:0007818, OMIM 147060.

Allele frequency attached by ClinVar (database versions not stated): gnomAD exomes below 0.00001; TOPMed below 0.00001.

Submission:

Labcorp Genetics (formerly Invitae), Labcorp
Classification: Uncertain significance for STAT3 gain of function; Hyper-IgE recurrent infection syndrome 1, autosomal dominant. Last evaluated: 2018-11-21. Review status: criteria provided, single submitter. Criteria: Invitae Variant Classification Sherloc (09022015). Collection method: clinical testing. Allele origin: germline.
Comment: In summary, the available evidence is currently insufficient to determine the role of this variant in disease. Therefore, it has been classified as a Variant of Uncertain Significance. Algorithms developed to predict the effect of missense changes on protein structure and function (SIFT, PolyPhen-2, Align-GVGD) all suggest that this variant is likely to be tolerated, but these predictions have not been confirmed by published functional studies and their clinical significance is uncertain. This variant has not been reported in the literature in individuals with STAT3-related disease. This variant is not present in population databases (ExAC no frequency). This sequence change replaces alanine with threonine at codon 129 of the STAT3 protein (p.Ala129Thr). The alanine residue is moderately conserved and there is a small physicochemical difference between alanine and threonine.

NM_139276.3(STAT3):c.385G>A (p.Ala129Thr)

Gene: STAT3 (signal transducer and activator of transcription 3; minus strand). Cytogenetic location: 17q21.2.
Variant type: single nucleotide variant.
Coding change: c.385G>A on transcript NM_139276.3 (MANE Select); coding-DNA position 385, G replaced by A.
Protein change: p.Ala129Thr; replaces alanine 129 with threonine.
Molecular consequence: missense variant. On other transcripts: intron variant (1).
Genome position (GRCh38, 1-based): chr17:42,339,397, C>T on the plus strand (G>A on the coding strand, the complement: STAT3 is on the minus strand). VCF-style: chr17-42339397-C-T. GRCh37 (hg19) VCF-style: chr17-40491415-C-T.
Other names: c.385G>A, p.Ala129Thr (NM_001369512.1, NM_001369513.1, NM_001369514.1 and 15 more transcripts); c.307G>A, p.Ala103Thr (NM_001384985.1); c.373-585G>A (NM_001384989.1); short protein forms A129T, A103T.
Identifiers: ClinVar variation 649925 (VCV000649925.9), dbSNP rs1222451818, ClinGen allele CA399595232.
Genomic context (GRCh38, chr17:42,339,397, plus strand): 5'-GAAGGTGCTGCTCCAGCATCTGCTGCTTCTCCGTCACCACGGCTGCTGTGGGGTGGTTGG[C>T]CTGGCCCCCTTGCTGCCAAAAAGGAGGTCAATGCACATGTGAACACAGAACTATGGGGAG-3'
Protein context (NP_644805.1, residues 119-139): AATAAQQGGQ[Ala129Thr]NHPTAAVVTE